The following is an entry in ClinVar:

NM_001429.4(EP300):c.5858A>G (p.Gln1953Arg)

Gene: EP300 (EP300 lysine acetyltransferase; plus strand). Cytogenetic location: 22q13.2.
Variant type: single nucleotide variant.
Coding change: c.5858A>G on transcript NM_001429.4 (MANE Select); coding-DNA position 5858, A replaced by G.
Protein change: p.Gln1953Arg; replaces glutamine 1953 with arginine.
Molecular consequence: missense variant.
Genome position (GRCh38, 1-based): chr22:41,177,569, A>G. VCF-style: chr22-41177569-A-G. GRCh37 (hg19) VCF-style: chr22-41573573-A-G.
Other names: c.5858A>G (NM_001429.3); c.5780A>G, p.Gln1927Arg (NM_001362843.2); short protein forms Q1927R, Q1953R.
Identifiers: ClinVar variation 2896903 (VCV002896903.7), dbSNP rs2059208731, ClinGen allele CA411710145.

ClinVar aggregate classification (germline): Uncertain significance. Review status: criteria provided, multiple submitters, no conflicts (2 of 4 stars). 4 submissions from 4 submitters: Uncertain significance (4). Last evaluated 2026-02-24.

Conditions:
EP300-related disorder. Also called: EP300-related disorders; EP300-related condition.
Inborn genetic diseases. Identifiers: MedGen C0950123, MeSH D030342.
Rubinstein-Taybi syndrome due to EP300 haploinsufficiency. Also called: EP300-Related Rubinstein-Taybi Syndrome; RUBINSTEIN-TAYBI SYNDROME 2. Identifiers: Orphanet 353284, Orphanet 783, MedGen C3150941, MONDO:0013364, OMIM 613684.

Allele frequency attached by ClinVar (database versions not stated): gnomAD exomes 0.00001.

Submissions (4):

Ambry Genetics
Classification: Uncertain significance for Inborn genetic diseases. Last evaluated: 2026-02-24. Review status: criteria provided, single submitter. Criteria: Ambry Variant Classification Scheme 2023. Collection method: clinical testing. Allele origin: germline.

Dasa
Classification: Uncertain significance. Last evaluated: 2025-02-24. Review status: criteria provided, single submitter. Criteria: DASA Assertion Criteria. Collection method: clinical testing. Allele origin: germline.
Comment: NM_001429.4(EP300):c.5858A>G (p.Gln1953Arg) is a missense variant that results in the substitution of glutamine with arginine. This variant is rare in population databases. Computational prediction algorithms are consistent with a benign effect. The currently available literature and clinical evidence are not sufficient to establish a definitive association between this variant and the reported condition. Therefore, this variant is classified as a variant of uncertain significance.

PreventionGenetics, part of Exact Sciences
Classification: Uncertain significance for EP300-related condition. Last evaluated: 2025-02-05. Review status: criteria provided, single submitter. Criteria: ACMG Guidelines, 2015. Collection method: clinical testing. Allele origin: germline.
Comment: The EP300 c.5858A>G variant is predicted to result in the amino acid substitution p.Gln1953Arg. To our knowledge, this variant has not been reported in the literature or in a large population database (gnomAD), indicating this variant is rare. At this time, the clinical significance of this variant is uncertain due to the absence of conclusive functional and genetic evidence.

Labcorp Genetics (formerly Invitae), Labcorp
Classification: Uncertain significance for Rubinstein-Taybi syndrome due to EP300 haploinsufficiency. Last evaluated: 2023-04-30. Review status: criteria provided, single submitter. Criteria: Invitae Variant Classification Sherloc (09022015). Collection method: clinical testing. Allele origin: germline.
Comment: Advanced modeling of protein sequence and biophysical properties (such as structural, functional, and spatial information, amino acid conservation, physicochemical variation, residue mobility, and thermodynamic stability) performed at Invitae indicates that this missense variant is not expected to disrupt EP300 protein function. This variant has not been reported in the literature in individuals affected with EP300-related conditions. This variant is not present in population databases (gnomAD no frequency). This sequence change replaces glutamine, which is neutral and polar, with arginine, which is basic and polar, at codon 1953 of the EP300 protein (p.Gln1953Arg). In summary, the available evidence is currently insufficient to determine the role of this variant in disease. Therefore, it has been classified as a Variant of Uncertain Significance.